The following is an entry in ClinVar:

NM_003590.5(CUL3):c.-246C>T

Gene: CUL3 (cullin 3; minus strand). Cytogenetic location: 2q36.2.
Variant type: single nucleotide variant.
Coding change: c.-246C>T on transcript NM_003590.5 (MANE Select); 246 bases upstream of the start codon, C replaced by T.
Molecular consequence: 5 prime UTR variant.
Genome position (GRCh38, 1-based): chr2:224,585,255, G>A on the plus strand (C>T on the coding strand, the complement: CUL3 is on the minus strand). VCF-style: chr2-224585255-G-A. GRCh37 (hg19) VCF-style: chr2-225449972-G-A.
Other names: c.-246C>T (NM_001257197.2).
Identifiers: ClinVar variation 898341 (VCV000898341.28), dbSNP rs928887003, ClinGen allele CA66591720.

ClinVar aggregate classification (germline): Conflicting classifications of pathogenicity. Review status: criteria provided, conflicting classifications (1 of 4 stars). 2 submissions from 2 submitters: Uncertain significance (1); Likely benign (1). Last evaluated 2022-11-01.

Conditions:
Pseudohypoaldosteronism type 2E (PHA2E). Also called: Pseudohypoaldosteronism Type IIE. Identifiers: Orphanet 300530, Orphanet 757, MedGen C3469606, MONDO:0013782, OMIM 614496.

Allele frequency attached by ClinVar (database versions not stated): TOPMed 0.00118.
gnomAD v4.1: 537 of 394,150 alleles (0.14%); highest among the groups gnomAD compares: Middle Eastern, 0.38%; 1 homozygote.

Submissions (2):

CeGaT Center for Human Genetics Tuebingen
Classification: Likely benign. Last evaluated: 2022-11-01. Review status: criteria provided, single submitter. Criteria: CeGaT Center For Human Genetics Tuebingen Variant Classification Criteria Version 2. Collection method: clinical testing. Allele origin: germline. Affected: yes. Observed: 1 variant allele.
Comment: CUL3: BS1

Illumina Laboratory Services, Illumina
Classification: Uncertain significance for Pseudohypoaldosteronism type 2E. Last evaluated: 2018-01-13. Review status: criteria provided, single submitter. Criteria: ICSL Variant Classification Criteria 13 December 2019. Collection method: clinical testing. Allele origin: germline.